The following is an entry in ClinVar:

ClinVar aggregate classification (germline): Conflicting classifications of pathogenicity. Review status: criteria provided, conflicting classifications (1 of 4 stars). 3 submissions from 3 submitters: Pathogenic (1); Likely pathogenic (1); Uncertain significance (1). Last evaluated 2025-08-21.

Conditions:
Frontotemporal dementia and/or amyotrophic lateral sclerosis 1 (FTDALS1). Also called: Frontotemporal dementia with motor neuron disease 1; C9orf72 Frontotemporal Dementia and/or Amyotrophic Lateral Sclerosis. Identifiers: Orphanet 275872, MedGen C5779877, MONDO:0007105, OMIM 105550.
Paget disease of bone 2, early-onset (PDB2). Also called: Paget disease of bone 2. Identifiers: MedGen C4085251, MONDO:0011183, OMIM 602080.

Allele frequency attached by ClinVar (database versions not stated): gnomAD exomes 0.00001.
gnomAD v4.1: 4 of 1,614,178 alleles (0.00025%); highest among the groups gnomAD compares: Non-Finnish European, 0.00034%; no homozygotes.

Submissions (3):

Labcorp Genetics (formerly Invitae), Labcorp
Classification: Pathogenic for Paget disease of bone 2, early-onset; Frontotemporal dementia and/or amyotrophic lateral sclerosis 1. Last evaluated: 2025-08-21. Review status: criteria provided, single submitter. Criteria: Invitae Variant Classification Sherloc (09022015). Collection method: clinical testing. Allele origin: germline.
Comment: This sequence change creates a premature translational stop signal (p.Glu352*) in the SQSTM1 gene. It is expected to result in an absent or disrupted protein product. Loss-of-function variants in SQSTM1 are known to be pathogenic (PMID: 27545679, 29959261). This variant is not present in population databases (gnomAD no frequency). This variant has not been reported in the literature in individuals affected with SQSTM1-related conditions. ClinVar contains an entry for this variant (Variation ID: 1319146). For these reasons, this variant has been classified as Pathogenic.

GeneDx
Classification: Likely pathogenic. Last evaluated: 2025-05-20. Review status: criteria provided, single submitter. Criteria: GeneDx Variant Classification Process June 2021. Collection method: clinical testing. Allele origin: germline. Affected: yes.
Comment: Nonsense variant predicted to result in protein truncation or nonsense mediated decay in a gene for which loss of function is a known mechanism of disease; Not observed at significant frequency in large population cohorts (gnomAD); Has not been previously published as pathogenic or benign to our knowledge

Institute for Clinical Genetics, University Hospital TU Dresden, University Hospital TU Dresden
Classification: Uncertain significance. Last evaluated: 2021-11-03. Review status: criteria provided, single submitter. Criteria: ACMG Guidelines, 2015. Collection method: clinical testing. Allele origin: germline.

Literature cited by the submitters: PubMed 27545679 (cited by Labcorp Genetics (formerly Invitae), Labcorp); PubMed 29959261 (cited by Labcorp Genetics (formerly Invitae), Labcorp).

NM_003900.5(SQSTM1):c.1054G>T (p.Glu352Ter)

Gene: SQSTM1 (sequestosome 1; plus strand). Cytogenetic location: 5q35.3.
Variant type: single nucleotide variant.
Coding change: c.1054G>T on transcript NM_003900.5 (MANE Select); coding-DNA position 1054, G replaced by T.
Protein change: p.Glu352Ter; replaces glutamic acid 352 with a stop codon.
Molecular consequence: nonsense.
Genome position (GRCh38, 1-based): chr5:179,833,671, G>T. VCF-style: chr5-179833671-G-T. GRCh37 (hg19) VCF-style: chr5-179260671-G-T.
Other names: c.802G>T, p.Glu268Ter (NM_001142298.2, NM_001142299.2); short protein forms E268*, E352*.
Identifiers: ClinVar variation 1319146 (VCV001319146.9), dbSNP rs765610848, ClinGen allele CA133109718.
Genomic context (GRCh38, chr5:179,833,671, plus strand): 5'-TCAGGAGGAGATGATGACTGGACCCATCTGTCTTCAAAAGAAGTGGACCCGTCTACAGGT[G>T]AACTCCAGTCCCTACAGATGCCAGAATCCGAAGGGCCAAGCTCTCTGGACCCCTCCCAGG-3'